The following is an entry in ClinVar:

NM_000088.4(COL1A1):c.4189G>T (p.Glu1397Ter)

Gene: COL1A1 (collagen type I alpha 1 chain; minus strand). Cytogenetic location: 17q21.33.
Variant type: single nucleotide variant.
Coding change: c.4189G>T on transcript NM_000088.4 (MANE Select); coding-DNA position 4189, G replaced by T.
Protein change: p.Glu1397Ter; replaces glutamic acid 1397 with a stop codon.
Molecular consequence: nonsense.
Genome position (GRCh38, 1-based): chr17:50,185,837, C>A on the plus strand (G>T on the coding strand, the complement: COL1A1 is on the minus strand). VCF-style: chr17-50185837-C-A. GRCh37 (hg19) VCF-style: chr17-48263198-C-A.
Other names: Glu1397Ter; short protein forms E1397*.
Identifiers: ClinVar variation 1339426 (VCV001339426.3), dbSNP rs902407269, ClinGen allele CA400191688.

ClinVar aggregate classification (germline): Pathogenic (1 of 4 stars; one submission).

Conditions:
Osteogenesis imperfecta (OI). Identifiers: Orphanet 666, MedGen C0029434, MeSH D010013, MONDO:0019019.

Submission:

Institute of Medical Genetics and Genomics, Sir Ganga Ram Hospital
Classification: Pathogenic for Osteogenesis imperfecta. Last evaluated: 2022-01-29. Review status: criteria provided, single submitter. Criteria: ACMG Guidelines, 2015. Collection method: clinical testing. Allele origin: germline. Affected: yes. Observed: 1 variant allele.
Comment: Active alert, hearing normal. Brachycephaly and bowing of tibia and arms

Literature cited by the submitters: PubMed 31363794; PubMed 29499418; PubMed 30614853; PubMed 34249109; PubMed 34091789; PubMed 33939306.